The following is an entry in ClinVar:

NM_001126108.2(SLC12A3):c.2182G>A (p.Ala728Thr)

Gene: SLC12A3 (solute carrier family 12 member 3; plus strand). Cytogenetic location: 16q13.
Variant type: single nucleotide variant.
Coding change: c.2182G>A on transcript NM_001126108.2 (MANE Select); coding-DNA position 2182, G replaced by A.
Protein change: p.Ala728Thr; replaces alanine 728 with threonine.
Molecular consequence: missense variant.
Genome position (GRCh38, 1-based): chr16:56,887,928, G>A. VCF-style: chr16-56887928-G-A. GRCh37 (hg19) VCF-style: chr16-56921840-G-A.
Other names: c.2182G>A, p.Ala728Thr (NM_000339.3); c.2179G>A, p.Ala727Thr (NM_001126107.2); short protein forms A728T, A727T.
Identifiers: ClinVar variation 403447 (VCV000403447.54), dbSNP rs36049418, ClinGen allele CA8069786.

ClinVar aggregate classification (germline): Benign/Likely benign. Review status: criteria provided, multiple submitters, no conflicts (2 of 4 stars). 13 submissions from 13 submitters: Benign (7); Likely benign (3). 3 of the submissions do not count toward it. Last evaluated 2026-09-01.

Conditions:
Familial hypokalemia-hypomagnesemia (GTLMNS). Also called: gitelman syndrome; POTASSIUM AND MAGNESIUM DEPLETION; HYPOMAGNESEMIA-HYPOKALEMIA, PRIMARY RENOTUBULAR, WITH HYPOCALCIURIA. Identifiers: Orphanet 358, MedGen C0268450, MONDO:0009904, OMIM 263800.

Allele frequency attached by ClinVar (database versions not stated): 1000 Genomes Project 0.00599; 1000 Genomes Project 30x 0.00640; gnomAD 0.01075; ExAC 0.01211; gnomAD exomes 0.01212; TOPMed 0.01292; ESP Exome Variant Server 0.01447.
gnomAD v4.1: 30,194 of 1,609,578 alleles (1.9%); highest among the groups gnomAD compares: Non-Finnish European, 2.3%; 372 homozygotes.

Submissions (13):

CeGaT Center for Human Genetics Tuebingen
Classification: Benign. Last evaluated: 2026-09-01. Review status: criteria provided, single submitter. Criteria: CeGaT Center For Human Genetics Tuebingen Variant Classification Criteria Version 2. Collection method: clinical testing. Allele origin: germline. Affected: yes. Observed: 20 variant alleles.
Comment: SLC12A3: BP4, BS1, BS2

Labcorp Genetics (formerly Invitae), Labcorp
Classification: Benign. Last evaluated: 2026-02-04. Review status: criteria provided, single submitter. Criteria: Invitae Variant Classification Sherloc (09022015). Collection method: clinical testing. Allele origin: germline.

Blueprint Genetics
Classification: Benign. Last evaluated: 2024-11-26. Review status: criteria provided, single submitter. Criteria: ACMG Guidelines, 2015. Collection method: clinical testing. Allele origin: germline.

Mayo Clinic Laboratories, Mayo Clinic
Classification: Benign. Last evaluated: 2022-09-23. Review status: criteria provided, single submitter. Criteria: ACMG Guidelines, 2015. Collection method: clinical testing. Allele origin: germline. Observed: 4 variant alleles.
Comment: BS1, BS2, BP4

Genome-Nilou Lab
Classification: Benign for Familial hypokalemia-hypomagnesemia. Last evaluated: 2021-07-15. Review status: criteria provided, single submitter. Criteria: ACMG Guidelines, 2015. Collection method: clinical testing. Allele origin: germline. Affected: no.

GeneDx
Classification: Benign. Last evaluated: 2021-01-26. Review status: criteria provided, single submitter. Criteria: GeneDx Variant Classification Process June 2021. Collection method: clinical testing. Allele origin: germline. Affected: yes.
Comment: This variant is associated with the following publications: (PMID: 27535533, 27884173, 8528245, 20981092, 24633158)

Illumina Laboratory Services, Illumina
Classification: Likely benign for Familial hypokalemia-hypomagnesemia. Last evaluated: 2017-04-27. Review status: criteria provided, single submitter. Criteria: ICSL Variant Classification Criteria 13 December 2019. Collection method: clinical testing. Allele origin: germline.
Comment: This variant was observed as part of a predisposition screen in an ostensibly healthy population. A literature search was performed for the gene, cDNA change, and amino acid change (where applicable). Publications were found based on this search. The evidence from the literature, in combination with allele frequency data from public databases where available, was sufficient to determine this variant is unlikely to cause disease. Therefore, this variant is classified as likely benign.

Laboratory for Molecular Medicine, Mass General Brigham Personalized Medicine
Classification: Likely benign. Last evaluated: 2016-03-28. Review status: criteria provided, single submitter. Criteria: LMM Criteria. Collection method: clinical testing. Allele origin: germline.
Comment: Variant identified in a genome or exome case(s) and assessed due to predicted null impact of the variant or pathogenic assertions in the literature or databases. Disclaimer: This variant has not undergone full assessment. The following are preliminary notes: Frequency in ESP (all): 188/12996=1.44%

Breakthrough Genomics
Classification: Likely benign. Review status: criteria provided, single submitter. Criteria: ACMG Guidelines, 2015. Collection method: not provided. Allele origin: germline. Inheritance: Autosomal recessive inheritance. Affected: yes.

Broad Center for Mendelian Genomics, Broad Institute of MIT and Harvard
Classification: Benign for Familial hypokalemia-hypomagnesemia. Review status: criteria provided, single submitter. Criteria: ACMG Guidelines, 2015. Collection method: research. Allele origin: germline. Inheritance: Autosomal recessive inheritance. Affected: yes.
Comment: In summary, this variant meets criteria to be classified as benign for autosomal recessive Gitelman syndrome.

Natera, Inc.
Classification: Benign for Gitelman syndrome. Last evaluated: 2019-10-25. Review status: no assertion criteria provided. Collection method: clinical testing. Allele origin: germline. Not counted in ClinVar's aggregate classification.

Genome Diagnostics Laboratory, University Medical Center Utrecht
Classification: Benign. Review status: no assertion criteria provided. Collection method: clinical testing. Allele origin: germline. Affected: yes. Study: VKGL Data-share Consensus. Not counted in ClinVar's aggregate classification.

Joint Genome Diagnostic Labs from Nijmegen and Maastricht, Radboudumc and MUMC+
Classification: Benign. Review status: no assertion criteria provided. Collection method: clinical testing. Allele origin: germline. Affected: yes. Study: VKGL Data-share Consensus. Not counted in ClinVar's aggregate classification.

Literature cited by the submitters: PubMed 8528245 (cited by Illumina Laboratory Services, Illumina).